The following is an entry in ClinVar:

NM_033087.4(ALG2):c.67G>T (p.Asp23Tyr)

Gene: ALG2 (ALG2 alpha-1,3/1,6-mannosyltransferase; minus strand). Cytogenetic location: 9q22.33.
Variant type: single nucleotide variant.
Coding change: c.67G>T on transcript NM_033087.4 (MANE Select); coding-DNA position 67, G replaced by T.
Protein change: p.Asp23Tyr; replaces aspartic acid 23 with tyrosine.
Molecular consequence: missense variant. On other transcripts: non-coding transcript variant (1).
Genome position (GRCh38, 1-based): chr9:99,221,828, C>A on the plus strand (G>T on the coding strand, the complement: ALG2 is on the minus strand). VCF-style: chr9-99221828-C-A. GRCh37 (hg19) VCF-style: chr9-101984110-C-A.
Other names: short protein forms D23Y.
Identifiers: ClinVar variation 4848654 (VCV004848654.1).

ClinVar aggregate classification (germline): Uncertain significance (1 of 4 stars; one submission).

Submission:

Women's Health and Genetics/Laboratory Corporation of America, LabCorp
Classification: Uncertain significance. Last evaluated: 2026-04-13. Review status: criteria provided, single submitter. Criteria: LabCorp Variant Classification Summary - May 2015. Collection method: clinical testing. Allele origin: germline.
Comment: Variant summary: ALG2 c.67G>T (p.Asp23Tyr) results in a non-conservative amino acid change in the encoded protein sequence. Algorithms developed to predict the effect of missense changes on protein structure and function are either unavailable or do not agree on the potential impact of this missense change. The variant was absent in 224276 control chromosomes. The available data on variant occurrences in the general population are insufficient to allow any conclusion about variant significance. To our knowledge, no occurrence of c.67G>T in individuals affected with ALG2-related conditions and no experimental evidence demonstrating its impact on protein function have been reported. No submitters have cited clinical-significance assessments for this variant to ClinVar. Based on the evidence outlined above, the variant was classified as uncertain significance.